The following is an entry in ClinVar:

NM_001127511.3(APC):c.-71del

Gene: APC (APC regulator of Wnt signaling pathway; plus strand). Cytogenetic location: 5q22.2.
Variant type: Deletion.
Coding change: c.-71del on transcript NM_001127511.3; 71 bases upstream of the start codon, one base deleted (C; older notation c.-71delC).
Molecular consequence: 5 prime UTR variant. On other transcripts: non-coding transcript variant (2).
Genome position (GRCh38, 1-based): chr5:112,707,647, C deleted; the last of 3 consecutive C bases (chr5:112,707,645-112,707,647); deleting any one gives the same sequence. VCF-style (leftmost placement, unchanged base first): chr5-112707644-TC-T. GRCh37 (hg19) VCF-style: chr5-112043341-TC-T.
Other names: c.-254del (NM_001354895.2, NM_001407447.1, NM_001407452.1 and 3 more transcripts); c.-71del (NM_001354897.2, NM_001354902.2, NM_001407446.1); c.-21del (NM_001407448.1, NM_001407450.1, NM_001407457.1 and 1 more transcripts); c.-45del (NM_001407453.1); c.-1289del (NM_001407470.1, NM_001407472.1).
Identifiers: ClinVar variation 1043607 (VCV001043607.48), dbSNP rs1750592547, ClinGen allele CA1573442585.
Genomic context (GRCh38, chr5:112,707,644, plus strand): 5'-TCGGGGGGGACCTGCGGGCTCAGGCCCGGGAGCTGCGGACCGAGGTTGGCTCGATGCTGT[TC>T]CCAGGTACTGTTGTTGGCTGTTGGTGAGGAAGGTGAAGCACTCAGTTGCCTTCTCGGGCC-3'

ClinVar aggregate classification (germline): Uncertain significance (1 of 4 stars; one submission).

Conditions:
Familial adenomatous polyposis 1 (FAP1). Also called: FAMILIAL ADENOMATOUS POLYPOSIS 1, ATTENUATED; POLYPOSIS, ADENOMATOUS INTESTINAL. Identifiers: MedGen C2713442, MONDO:0021056, OMIM 175100. Disease mechanism: loss of function.

Submission:

Labcorp Genetics (formerly Invitae), Labcorp
Classification: Uncertain significance for Familial adenomatous polyposis 1. Last evaluated: 2024-12-12. Review status: criteria provided, single submitter. Criteria: Invitae Variant Classification Sherloc (09022015). Collection method: clinical testing. Allele origin: germline.
Comment: This variant occurs in a non-coding region of the APC gene. It does not change the encoded amino acid sequence of the APC protein. This variant is not present in population databases (gnomAD no frequency). This variant has not been reported in the literature in individuals affected with APC-related conditions. Experimental studies and prediction algorithms are not available or were not evaluated, and the functional significance of this variant is currently unknown. In summary, the available evidence is currently insufficient to determine the role of this variant in disease. Therefore, it has been classified as a Variant of Uncertain Significance.